The following is an entry in ClinVar:

NM_001372044.2(SHANK3):c.2799C>T (p.Gly933=)

Gene: SHANK3 (SH3 and multiple ankyrin repeat domains 3; plus strand). Cytogenetic location: 22q13.33.
Variant type: single nucleotide variant.
Coding change: c.2799C>T on transcript NM_001372044.2 (MANE Select); coding-DNA position 2799, C replaced by T.
Protein change: p.Gly933=; no amino-acid change (glycine 933 retained).
Molecular consequence: synonymous variant.
Genome position (GRCh38, 1-based): chr22:50,720,407, C>T. VCF-style: chr22-50720407-C-T. GRCh37 (hg19) VCF-style: chr22-51158835-C-T.
Other names: c.2574C>T (NM_033517.1).
Identifiers: ClinVar variation 1260703 (VCV001260703.26), dbSNP rs907713706, ClinGen allele CA325578069.

ClinVar aggregate classification (germline): Benign/Likely benign. Review status: criteria provided, multiple submitters, no conflicts (2 of 4 stars). 2 submissions from 2 submitters: Benign (1); Likely benign (1). Last evaluated 2023-07-01.

Allele frequency attached by ClinVar (database versions not stated): 1000 Genomes Project 30x 0.00031; gnomAD 0.00031 and 0.00033; TOPMed 0.00036; gnomAD exomes 0.00061.

Submissions (2):

CeGaT Center for Human Genetics Tuebingen
Classification: Likely benign. Last evaluated: 2023-07-01. Review status: criteria provided, single submitter. Criteria: CeGaT Center For Human Genetics Tuebingen Variant Classification Criteria Version 2. Collection method: clinical testing. Allele origin: germline. Affected: yes. Observed: 3 variant alleles.
Comment: SHANK3: BP4, BP7

GeneDx
Classification: Benign. Last evaluated: 2020-10-14. Review status: criteria provided, single submitter. Criteria: GeneDx Variant Classification Process June 2021. Collection method: clinical testing. Allele origin: germline. Affected: yes.